The following is an entry in ClinVar:

NM_139076.3(ABRAXAS1):c.425A>G (p.Glu142Gly)

Gene: ABRAXAS1 (abraxas 1, BRCA1 A complex subunit; minus strand). Cytogenetic location: 4q21.23.
Variant type: single nucleotide variant.
Coding change: c.425A>G on transcript NM_139076.3 (MANE Select); coding-DNA position 425, A replaced by G.
Protein change: p.Glu142Gly; replaces glutamic acid 142 with glycine.
Molecular consequence: missense variant.
Genome position (GRCh38, 1-based): chr4:83,470,254, T>C on the plus strand (A>G on the coding strand, the complement: ABRAXAS1 is on the minus strand). VCF-style: chr4-83470254-T-C. GRCh37 (hg19) VCF-style: chr4-84391407-T-C.
Other names: c.98A>G, p.Glu33Gly (NM_001345962.2); short protein forms E142G, E33G.
Identifiers: ClinVar variation 4636470 (VCV004636470.1).

ClinVar aggregate classification (germline): Uncertain significance (1 of 4 stars; one submission).

Submission:

Ambry Genetics
Classification: Uncertain significance. Last evaluated: 2025-10-09. Review status: criteria provided, single submitter. Criteria: Ambry Variant Classification Scheme 2023. Collection method: clinical testing. Allele origin: germline.
Comment: The p.E142G variant (also known as c.425A>G), located in coding exon 5 of the FAM175A gene, results from an A to G substitution at nucleotide position 425. The glutamic acid at codon 142 is replaced by glycine, an amino acid with similar properties. This amino acid position is conserved. In addition, this alteration is predicted to be tolerated by in silico analysis. Based on the available evidence, the clinical significance of this variant remains unclear.